The following is an entry in ClinVar:

ClinVar aggregate classification (germline): Likely benign. Review status: criteria provided, multiple submitters, no conflicts (2 of 4 stars). 2 submissions from 2 submitters: Likely benign (2). Last evaluated 2025-09-27.

Conditions:
Spastic paraplegia. Identifiers: MedGen C0037772, HP:0001258.
Hereditary spastic paraplegia 10 (SPG10). Also called: SPASTIC PARAPLEGIA 10, AUTOSOMAL DOMINANT; SPASTIC PARAPLEGIA 10 WITH OR WITHOUT PERIPHERAL NEUROPATHY; SPASTIC PARAPLEGIA 10 WITH PERIPHERAL NEUROPATHY. Identifiers: Orphanet 100991, MedGen C1858712, MONDO:0011408, OMIM 604187.

Allele frequency attached by ClinVar (database versions not stated): gnomAD 0.00001; gnomAD exomes 0.00002 and 0.00007; TOPMed 0.00003; ExAC 0.00009; 1000 Genomes Project 30x 0.00016; 1000 Genomes Project 0.00020.
gnomAD v4.1: 35 of 1,614,096 alleles (0.0022%); highest among the groups gnomAD compares: East Asian, 0.051%; no homozygotes.

Submissions (2):

Labcorp Genetics (formerly Invitae), Labcorp
Classification: Likely benign for Spastic paraplegia. Last evaluated: 2025-09-27. Review status: criteria provided, single submitter. Criteria: Invitae Variant Classification Sherloc (09022015). Collection method: clinical testing. Allele origin: germline.

Illumina Laboratory Services, Illumina
Classification: Likely benign for Hereditary spastic paraplegia 10. Last evaluated: 2018-01-13. Review status: criteria provided, single submitter. Criteria: ICSL Variant Classification Criteria 13 December 2019. Collection method: clinical testing. Allele origin: germline.
Comment: This variant was observed in the ICSL laboratory as part of a predisposition screen in an ostensibly healthy population. It had not been previously curated by ICSL or reported in the Human Gene Mutation Database (HGMD: prior to June 1st, 2018), and was therefore a candidate for classification through an automated scoring system. Utilizing variant allele frequency, disease prevalence and penetrance estimates, and inheritance mode, an automated score was calculated to assess if this variant is too frequent to cause the disease. Based on the score and internal cut-off values, a variant classified as likely benign is not then subjected to further curation. The score for this variant resulted in a classification of likely benign for this disease.

NM_004984.4(KIF5A):c.2955C>T (p.Gly985=)

Gene: KIF5A (kinesin family member 5A; plus strand). Cytogenetic location: 12q13.3.
Variant type: single nucleotide variant.
Coding change: c.2955C>T on transcript NM_004984.4 (MANE Select); coding-DNA position 2955, C replaced by T.
Protein change: p.Gly985=; no amino-acid change (glycine 985 retained).
Molecular consequence: synonymous variant.
Genome position (GRCh38, 1-based): chr12:57,581,915, C>T. VCF-style: chr12-57581915-C-T. GRCh37 (hg19) VCF-style: chr12-57975698-C-T.
Other names: c.2688C>T, p.Gly896= (NM_001354705.2).
Identifiers: ClinVar variation 884070 (VCV000884070.12), dbSNP rs202074843, ClinGen allele CA6653260.